The following is an entry in ClinVar:

ClinVar aggregate classification (germline): Uncertain significance (1 of 4 stars; one submission).

gnomAD v4.1: 11 of 1,614,124 alleles (0.00068%); highest among the groups gnomAD compares: African/African-American, 0.0013%; no homozygotes.

Submission:

Labcorp Genetics (formerly Invitae), Labcorp
Classification: Uncertain significance. Last evaluated: 2021-05-24. Review status: criteria provided, single submitter. Criteria: Invitae Variant Classification Sherloc (09022015). Collection method: clinical testing. Allele origin: germline.
Comment: This sequence change replaces valine with leucine at codon 455 of the CETP protein (p.Val455Leu). The valine residue is weakly conserved and there is a small physicochemical difference between valine and leucine. This variant is not present in population databases (ExAC no frequency). This variant has not been reported in the literature in individuals with CETP-related conditions. In summary, the available evidence is currently insufficient to determine the role of this variant in disease. Therefore, it has been classified as a Variant of Uncertain Significance. Algorithms developed to predict the effect of missense changes on protein structure and function output the following: SIFT: "Tolerated"; PolyPhen-2: "Benign"; Align-GVGD: "Class C0". The leucine amino acid residue is found in multiple mammalian species, suggesting that this missense change does not adversely affect protein function. These predictions have not been confirmed by published functional studies and their clinical significance is uncertain.

NM_000078.3(CETP):c.1363G>T (p.Val455Leu)

Gene: CETP (cholesteryl ester transfer protein; plus strand). Cytogenetic location: 16q13.
Variant type: single nucleotide variant.
Coding change: c.1363G>T on transcript NM_000078.3 (MANE Select); coding-DNA position 1363, G replaced by T.
Protein change: p.Val455Leu; replaces valine 455 with leucine.
Molecular consequence: missense variant.
Genome position (GRCh38, 1-based): chr16:56,983,367, G>T. VCF-style: chr16-56983367-G-T. GRCh37 (hg19) VCF-style: chr16-57017279-G-T.
Other names: c.1183G>T, p.Val395Leu (NM_001286085.2); short protein forms V395L, V455L.
Identifiers: ClinVar variation 1392760 (VCV001392760.8), dbSNP rs2228667, ClinGen allele CA281530051.